The following is an entry in ClinVar:

NM_001077350.3(NPRL3):c.1150G>A (p.Ala384Thr)

Genes: HBA-LCR (alpha-globin locus control region; plus strand), NPRL3 (NPR3 like, GATOR1 complex subunit; minus strand). Cytogenetic location: 16p13.3.
Variant type: single nucleotide variant.
Coding change: c.1150G>A on transcript NM_001077350.3 (MANE Select); coding-DNA position 1150, G replaced by A.
Protein change: p.Ala384Thr; replaces alanine 384 with threonine.
Molecular consequence: missense variant.
Genome position (GRCh38, 1-based): chr16:92,607, C>T on the plus strand (G>A on the coding strand, the complement: NPRL3 is on the minus strand). VCF-style: chr16-92607-C-T. GRCh37 (hg19) VCF-style: chr16-142605-C-T.
Other names: c.613G>A, p.Ala205Thr (NM_001039476.3); c.916G>A, p.Ala306Thr (NM_001243247.2); c.1075G>A, p.Ala359Thr (NM_001243248.2, NM_001243249.2); short protein forms A205T, A306T, A359T, A384T.
Identifiers: ClinVar variation 1205075 (VCV001205075.10), dbSNP rs751307143, ClinGen allele CA7769439.
Genomic context (GRCh38, chr16:92,607, plus strand): 5'-ATCCACTACACACCTGCCACTCTGGGCTCCTTGAGCTTCTGTGACTCACCTCCTGCACAG[C>T]GGGGGCCAGGGGATTCCTAAATTCTGACAAGGAGACCGGCAAGGAGAACTTGGCAAGAAC-3'
Protein context (NP_001070818.1, residues 374-394): LSEFRNPLAP[Ala384Thr]VQETQLIQMV

ClinVar aggregate classification (germline): Conflicting classifications of pathogenicity. Review status: criteria provided, conflicting classifications (1 of 4 stars). 3 submissions from 3 submitters: Uncertain significance (2); Likely benign (1). Last evaluated 2026-03-01.

Conditions:
Epilepsy, familial focal, with variable foci 3 (FFEVF3). Identifiers: MedGen C4310708, MONDO:0014925, OMIM 617118.

Allele frequency attached by ClinVar (database versions not stated): gnomAD 0.00001; TOPMed 0.00001; gnomAD exomes 0.00002; ExAC 0.00003.
gnomAD v4.1: 37 of 1,613,118 alleles (0.0023%); highest among the groups gnomAD compares: Non-Finnish European, 0.0025%; no homozygotes.

Submissions (3):

CeGaT Center for Human Genetics Tuebingen
Classification: Likely benign. Last evaluated: 2026-03-01. Review status: criteria provided, single submitter. Criteria: CeGaT Center For Human Genetics Tuebingen Variant Classification Criteria Version 2. Collection method: clinical testing. Allele origin: germline. Affected: yes. Observed: 1 variant allele.
Comment: NPRL3: BP4

Labcorp Genetics (formerly Invitae), Labcorp
Classification: Uncertain significance for Epilepsy, familial focal, with variable foci 3. Last evaluated: 2023-11-08. Review status: criteria provided, single submitter. Criteria: Invitae Variant Classification Sherloc (09022015). Collection method: clinical testing. Allele origin: germline.
Comment: This sequence change replaces alanine, which is neutral and non-polar, with threonine, which is neutral and polar, at codon 384 of the NPRL3 protein (p.Ala384Thr). This variant is present in population databases (rs751307143, gnomAD 0.004%). This variant has not been reported in the literature in individuals affected with NPRL3-related conditions. ClinVar contains an entry for this variant (Variation ID: 1205075). Advanced modeling of protein sequence and biophysical properties (such as structural, functional, and spatial information, amino acid conservation, physicochemical variation, residue mobility, and thermodynamic stability) performed at Invitae indicates that this missense variant is not expected to disrupt NPRL3 protein function with a negative predictive value of 80%. In summary, the available evidence is currently insufficient to determine the role of this variant in disease. Therefore, it has been classified as a Variant of Uncertain Significance.

GeneDx
Classification: Uncertain significance. Last evaluated: 2020-03-30. Review status: criteria provided, single submitter. Criteria: GeneDx Variant Classification Process June 2021. Collection method: clinical testing. Allele origin: germline. Affected: yes.
Comment: Not observed at a significant frequency in large population cohorts (Lek et al., 2016); In silico analysis supports that this missense variant does not alter protein structure/function; Has not been previously published as pathogenic or benign to our knowledge